The following is an entry in ClinVar:

NM_018131.5(CEP55):c.171C>G (p.His57Gln)

Gene: CEP55 (centrosomal protein 55; plus strand). Cytogenetic location: 10q23.33.
Variant type: single nucleotide variant.
Coding change: c.171C>G on transcript NM_018131.5 (MANE Select); coding-DNA position 171, C replaced by G.
Protein change: p.His57Gln; replaces histidine 57 with glutamine.
Molecular consequence: missense variant.
Genome position (GRCh38, 1-based): chr10:93,500,222, C>G. VCF-style: chr10-93500222-C-G. GRCh37 (hg19) VCF-style: chr10-95259979-C-G.
Other names: c.171C>G, p.His57Gln (NM_001127182.2); c.171C>G (NM_001127182.1); short protein forms H57Q.
Identifiers: ClinVar variation 1593062 (VCV001593062.12), dbSNP rs3740370, ClinGen allele CA5608829.

ClinVar aggregate classification (germline): Benign/Likely benign. Review status: criteria provided, multiple submitters, no conflicts (2 of 4 stars). 4 submissions from 4 submitters: Benign (2); Likely benign (1). 1 of the submissions does not count toward it. Last evaluated 2026-02-01.

Conditions:
CEP55-related disorder. Also called: CEP55-related condition.

Allele frequency attached by ClinVar (database versions not stated): gnomAD exomes 0.21847 and 0.22137; ExAC 0.22530; gnomAD 0.23435 and 0.23642; TOPMed 0.23602; ESP Exome Variant Server 0.24742; 1000 Genomes Project 30x 0.26530; 1000 Genomes Project 0.26857.
gnomAD v4.1: 358,818 of 1,607,764 alleles (22%); highest among the groups gnomAD compares: Middle Eastern, 29%; 41,389 homozygotes.

Submissions (4):

Labcorp Genetics (formerly Invitae), Labcorp
Classification: Benign. Last evaluated: 2026-02-01. Review status: criteria provided, single submitter. Criteria: Invitae Variant Classification Sherloc (09022015). Collection method: clinical testing. Allele origin: germline.

Blueprint Genetics
Classification: Likely benign. Last evaluated: 2024-11-27. Review status: criteria provided, single submitter. Criteria: ACMG Guidelines, 2015. Collection method: clinical testing. Allele origin: germline.

Breakthrough Genomics
Classification: Benign. Review status: criteria provided, single submitter. Criteria: ACMG Guidelines, 2015. Collection method: not provided. Allele origin: germline. Inheritance: Autosomal recessive inheritance. Affected: yes.

PreventionGenetics, part of Exact Sciences
Classification: Benign for CEP55-related condition. Last evaluated: 2019-10-17. Review status: no assertion criteria provided. Collection method: clinical testing. Allele origin: germline. Not counted in ClinVar's aggregate classification.
Comment: This variant is classified as benign based on ACMG/AMP sequence variant interpretation guidelines (Richards et al. 2015 PMID: 25741868, with internal and published modifications).